The following is an entry in ClinVar:

ClinVar aggregate classification (germline): Likely benign. Review status: criteria provided, single submitter (1 of 4 stars). 2 submissions from 2 submitters: Likely benign (1). 1 of the submissions does not count toward it. Last evaluated 2023-10-19.

Conditions:
IFT172-related disorder. Also called: IFT172-related condition; IFT172-related disorders.
Short-rib thoracic dysplasia 10 with or without polydactyly (SRTD10). Identifiers: Orphanet 474, MedGen C3810175, MONDO:0014284, OMIM 615630.
Retinitis pigmentosa 71 (RP71). Identifiers: Orphanet 791, MedGen C4225342, MONDO:0014618, OMIM 616394.

Allele frequency attached by ClinVar (database versions not stated): ESP Exome Variant Server 0.00008; gnomAD 0.00003; TOPMed 0.00003.
gnomAD v4.1: 7 of 1,614,042 alleles (0.00043%); highest among the groups gnomAD compares: African/African-American, 0.0093%; no homozygotes.

Submissions (2):

Labcorp Genetics (formerly Invitae), Labcorp
Classification: Likely benign for Retinitis pigmentosa 71; Short-rib thoracic dysplasia 10 with or without polydactyly. Last evaluated: 2023-10-19. Review status: criteria provided, single submitter. Criteria: Invitae Variant Classification Sherloc (09022015). Collection method: clinical testing. Allele origin: germline.

PreventionGenetics, part of Exact Sciences
Classification: Likely benign for IFT172-related condition. Last evaluated: 2022-01-18. Review status: no assertion criteria provided. Collection method: clinical testing. Allele origin: germline. Not counted in ClinVar's aggregate classification.
Comment: This variant is classified as likely benign based on ACMG/AMP sequence variant interpretation guidelines (Richards et al. 2015 PMID: 25741868, with internal and published modifications).

NM_015662.3(IFT172):c.4689A>G (p.Ser1563=)

Genes: IFT172 (intraflagellar transport 172; minus strand), KRTCAP3 (keratinocyte associated protein 3; plus strand). Cytogenetic location: 2p23.3.
Variant type: single nucleotide variant.
Coding change: c.4689A>G on transcript NM_015662.3 (MANE Select); coding-DNA position 4689, A replaced by G.
Protein change: p.Ser1563=; no amino-acid change (serine 1563 retained).
Molecular consequence: synonymous variant. On other transcripts: 3 prime UTR variant (1).
Genome position (GRCh38, 1-based): chr2:27,446,326, T>C on the plus strand (A>G on the coding strand, the complement: IFT172 is on the minus strand). VCF-style: chr2-27446326-T-C. GRCh37 (hg19) VCF-style: chr2-27669193-T-C.
Other names: c.*31T>C (NM_001168364.2); c.4623A>G, p.Ser1541= (NM_001410739.1).
Identifiers: ClinVar variation 1658066 (VCV001658066.11), dbSNP rs370933808, ClinGen allele CA1579514.